The following is an entry in ClinVar:

NM_177438.3(DICER1):c.4778T>C (p.Val1593Ala)

Gene: DICER1 (dicer 1, ribonuclease III; minus strand). Cytogenetic location: 14q32.13.
Variant type: single nucleotide variant.
Coding change: c.4778T>C on transcript NM_177438.3 (MANE Select); coding-DNA position 4778, T replaced by C.
Protein change: p.Val1593Ala; replaces valine 1593 with alanine.
Molecular consequence: missense variant. On other transcripts: non-coding transcript variant (6).
Genome position (GRCh38, 1-based): chr14:95,096,142, A>G on the plus strand (T>C on the coding strand, the complement: DICER1 is on the minus strand). VCF-style: chr14-95096142-A-G. GRCh37 (hg19) VCF-style: chr14-95562479-A-G.
Other names: c.4778T>C, p.Val1593Ala (NM_001195573.1, NM_001271282.3, NM_001291628.2 and 13 more transcripts); c.4496T>C, p.Val1499Ala (NM_001395686.1); c.4373T>C, p.Val1458Ala (NM_001395687.1, NM_001395688.1, NM_001395689.1 and 2 more transcripts); c.4211T>C, p.Val1404Ala (NM_001395691.1); c.3095T>C, p.Val1032Ala (NM_001395697.1); short protein forms V1404A, V1458A, V1032A, V1499A, V1593A.
Identifiers: ClinVar variation 1743010 (VCV001743010.7), dbSNP rs2542486399, ClinGen allele CA390867206.

ClinVar aggregate classification (germline): Uncertain significance. Review status: criteria provided, multiple submitters, no conflicts (2 of 4 stars). 2 submissions from 2 submitters: Uncertain significance (2). Last evaluated 2022-08-21.

Conditions:
Hereditary cancer-predisposing syndrome. Also called: Neoplastic Syndromes, Hereditary; Tumor predisposition; Hereditary Cancer Syndrome; Hereditary neoplastic syndrome. Identifiers: Orphanet 140162, MedGen C0027672, MeSH D009386, MONDO:0015356.
DICER1-related tumor predisposition. Also called: DICER1 syndrome; DICER1-related pleuropulmonary blastoma cancer predisposition syndrome. Identifiers: Orphanet 284343, MedGen C3839822, MONDO:0100216.

Submissions (2):

Labcorp Genetics (formerly Invitae), Labcorp
Classification: Uncertain significance for DICER1-related tumor predisposition. Last evaluated: 2022-08-21. Review status: criteria provided, single submitter. Criteria: Invitae Variant Classification Sherloc (09022015). Collection method: clinical testing. Allele origin: germline.
Comment: Algorithms developed to predict the effect of missense changes on protein structure and function output the following: SIFT: "Tolerated"; PolyPhen-2: "Benign"; Align-GVGD: "Class C0". The alanine amino acid residue is found in multiple mammalian species, which suggests that this missense change does not adversely affect protein function. This sequence change replaces valine, which is neutral and non-polar, with alanine, which is neutral and non-polar, at codon 1593 of the DICER1 protein (p.Val1593Ala). This variant is not present in population databases (gnomAD no frequency). This variant has not been reported in the literature in individuals affected with DICER1-related conditions. In summary, the available evidence is currently insufficient to determine the role of this variant in disease. Therefore, it has been classified as a Variant of Uncertain Significance.

Ambry Genetics
Classification: Uncertain significance for Hereditary cancer-predisposing syndrome. Last evaluated: 2021-10-29. Review status: criteria provided, single submitter. Criteria: Ambry Variant Classification Scheme 2023. Collection method: clinical testing. Allele origin: germline.
Comment: The p.V1593A variant (also known as c.4778T>C), located in coding exon 22 of the DICER1 gene, results from a T to C substitution at nucleotide position 4778. The valine at codon 1593 is replaced by alanine, an amino acid with similar properties. This amino acid position is well conserved in available vertebrate species. In addition, this alteration is predicted to be tolerated by in silico analysis. Since supporting evidence is limited at this time, the clinical significance of this alteration remains unclear.